The following is an entry in ClinVar:

ClinVar aggregate classification (germline): VUS-mid (1 of 4 stars; one submission).

Conditions:
Glycosylphosphatidylinositol biosynthesis defect 21. Also called: NEURODEVELOPMENTAL DISORDER WITH BRAIN ANOMALIES, SEIZURES, AND SCOLIOSIS. Identifiers: MedGen C5231419, MONDO:0032824, OMIM 618590.

gnomAD v4.1: 2 of 1,613,164 alleles (0.00012%); highest among the groups gnomAD compares: Non-Finnish European, 0.00017%; no homozygotes.

Submission:

Center for Human Genetics and Genomic Medicine, Uniklinik Rwth Aachen
Classification: VUS-mid for Glycosylphosphatidylinositol biosynthesis defect 21. Last evaluated: 2025-09-19. Review status: criteria provided, single submitter. Criteria: ACMG Guidelines, 2015. Collection method: clinical testing. Allele origin: biparental. Inheritance: Autosomal recessive inheritance. Affected: yes. Observed: 1 variant allele, 1 homozygote.
Comment: To date, this variant has not been reported in the literature or in the ClinVar database. In the general population (gnomAD v4.1.0), it has been detected at a very low frequency and not in the homozygous state (PM2_Supporting). Bioinformatics prediction tools (REVEL (v2021-05-03), CADD (v1.6); accessed via Alamut Visual Plus v.1.13 on September 16, 2025) classify the variant as likely pathogenic (PP3_Moderate). In the PIGU gene, missense variants are known to be pathogenetically relevant (Knaus A. et al., 2025) (PP2).

Literature cited by the submitters: PubMed 31353022.

NM_080476.5(PIGU):c.797A>G (p.Asp266Gly)

Gene: PIGU (phosphatidylinositol glycan anchor biosynthesis class U; minus strand). Cytogenetic location: 20q11.22.
Variant type: single nucleotide variant.
Coding change: c.797A>G on transcript NM_080476.5 (MANE Select); coding-DNA position 797, A replaced by G.
Protein change: p.Asp266Gly; replaces aspartic acid 266 with glycine.
Molecular consequence: missense variant.
Genome position (GRCh38, 1-based): chr20:34,585,566, T>C on the plus strand (A>G on the coding strand, the complement: PIGU is on the minus strand). VCF-style: chr20-34585566-T-C. GRCh37 (hg19) VCF-style: chr20-33173370-T-C.
Other names: short protein forms D266G.
Identifiers: ClinVar variation 4976873 (VCV004976873.1).
Genomic context (GRCh38, chr20:34,585,566, plus strand): 5'-CTGAAGTGCTCAAACATCTCTGCAAAGAAGTACCAGAAAAGACCAATGTTTGGAGTGAGA[T>C]CTGGAACAGAAAGTCTGGAATTAAGAAAACAAAGGGAGAGAAAAAAGACAAAAGTTATAA-3'
Protein context (NP_536724.1, residues 256-276): AVYGFILSVP[Asp266Gly]LTPNIGLFWY